The following is an entry in ClinVar:

NM_000059.4(BRCA2):c.2522G>A (p.Arg841Lys)

Gene: BRCA2 (BRCA2 DNA repair associated; plus strand). Cytogenetic location: 13q13.1.
Variant type: single nucleotide variant.
Coding change: c.2522G>A on transcript NM_000059.4 (MANE Select); coding-DNA position 2522, G replaced by A.
Protein change: p.Arg841Lys; replaces arginine 841 with lysine.
Molecular consequence: missense variant.
Genome position (GRCh38, 1-based): chr13:32,336,877, G>A. VCF-style: chr13-32336877-G-A. GRCh37 (hg19) VCF-style: chr13-32911014-G-A.
Other names: short protein forms R841K.
Identifiers: ClinVar variation 141657 (VCV000141657.21), dbSNP rs587781915, ClinGen allele CA015536.
Genomic context (GRCh38, chr13:32,336,877, plus strand): 5'-TATGTGCTTTAAATGAAAATTATAAAAACGTTGAGCTGTTGCCACCTGAAAAATACATGA[G>A]AGTAGCATCACCTTCAAGAAAGGTACAATTCAACCAAAACACAAATCTAAGAGTAATCCA-3'
Protein context (NP_000050.3, residues 831-851): VELLPPEKYM[Arg841Lys]VASPSRKVQF

ClinVar aggregate classification (germline): Conflicting classifications of pathogenicity. Review status: criteria provided, conflicting classifications (1 of 4 stars). 8 submissions from 8 submitters: Uncertain significance (4); Benign (1); Likely benign (2). 1 of the submissions does not count toward it. Last evaluated 2025-07-21.

Conditions:
Hereditary cancer-predisposing syndrome. Also called: Neoplastic Syndromes, Hereditary; Hereditary Cancer Syndrome; Hereditary neoplastic syndrome; Tumor predisposition. Identifiers: Orphanet 140162, MedGen C0027672, MeSH D009386, MONDO:0015356.
Hereditary breast ovarian cancer syndrome. Also called: Hereditary breast and ovarian cancer syndrome; Hereditary breast and/or ovarian cancer syndrome; BRCA1- and BRCA2-Associated Hereditary Breast and Ovarian Cancer; Hereditary breast and ovarian cancer; Breast and ovarian cancer; Hereditary breast and ovarian cancer syndrome (HBOC). Identifiers: Orphanet 145, MedGen C0677776, MeSH D061325, MONDO:0003582. Disease mechanism: loss of function.
Breast-ovarian cancer, familial, susceptibility to, 2 (BROVCA2). Also called: BRCA2 Hereditary Breast and Ovarian Cancer. Identifiers: Orphanet 145, MedGen C2675520, MONDO:0012933, OMIM 612555. Disease mechanism: loss of function.

Allele frequency attached by ClinVar (database versions not stated): gnomAD exomes below 0.00001; ExAC 0.00001.
gnomAD v4.1: 1 of 1,610,822 alleles (0.000062%); highest among the groups gnomAD compares: Non-Finnish European, 0.000085%; no homozygotes.

Submissions (8):

Labcorp Genetics (formerly Invitae), Labcorp
Classification: Uncertain significance for Hereditary breast ovarian cancer syndrome. Last evaluated: 2025-07-21. Review status: criteria provided, single submitter. Criteria: Invitae Variant Classification Sherloc (09022015). Collection method: clinical testing. Allele origin: germline.
Comment: This sequence change replaces arginine, which is basic and polar, with lysine, which is basic and polar, at codon 841 of the BRCA2 protein (p.Arg841Lys). This variant is present in population databases (rs587781915, gnomAD 0.0009%). This variant has not been reported in the literature in individuals affected with BRCA2-related conditions. ClinVar contains an entry for this variant (Variation ID: 141657). Invitae Evidence Modeling of protein sequence and biophysical properties (such as structural, functional, and spatial information, amino acid conservation, physicochemical variation, residue mobility, and thermodynamic stability) indicates that this missense variant is not expected to disrupt BRCA2 protein function with a negative predictive value of 95%. In summary, the available evidence is currently insufficient to determine the role of this variant in disease. Therefore, it has been classified as a Variant of Uncertain Significance.

Ambry Genetics
Classification: Likely benign for Hereditary cancer-predisposing syndrome. Last evaluated: 2024-03-20. Review status: criteria provided, single submitter. Criteria: Ambry Variant Classification Scheme 2023. Collection method: clinical testing. Allele origin: germline.

Myriad Genetics, Inc.
Classification: Benign for Breast-ovarian cancer, familial, susceptibility to, 2. Last evaluated: 2023-04-03. Review status: criteria provided, single submitter. Criteria: Myriad Autosomal Dominant, Autosomal Recessive and X-Linked Classification Criteria (2023). Collection method: clinical testing. Allele origin: unknown.
Comment: This variant is considered benign. This variant is strongly associated with less severe personal and family histories of cancer, typical for individuals without pathogenic variants in this gene [PMID: 25085752]. This variant has been observed in trans with a known pathogenic variant in one or more individuals lacking clinical features consistent with gene-specific recessive disease.

University of Washington Department of Laboratory Medicine, University of Washington
Classification: Likely benign for Hereditary cancer-predisposing syndrome. Last evaluated: 2023-03-23. Review status: criteria provided, single submitter. Criteria: Dines et al. (Genet Med. 2020). Collection method: curation. Allele origin: germline.
Comment: Missense variant in a coldspot region where missense variants are very unlikely to be pathogenic (PMID:31911673).

BRCA2 exon 11 coldspot. Reclassification based on statistical prior probability.

Women's Health and Genetics/Laboratory Corporation of America, LabCorp
Classification: Uncertain significance. Last evaluated: 2021-07-01. Review status: criteria provided, single submitter. Criteria: LabCorp Variant Classification Summary - May 2015. Collection method: clinical testing. Allele origin: germline.
Comment: Variant summary: BRCA2 c.2522G>A (p.Arg841Lys) results in a conservative amino acid change in the encoded protein sequence. Five of five in-silico tools predict a benign effect of the variant on protein function. The variant allele was found at a frequency of 4e-06 in 248086 control chromosomes (gnomAD). The available data on variant occurrences in the general population are insufficient to allow any conclusion about variant significance. To our knowledge, no occurrence of c.2522G>A in individuals affected with Hereditary Breast And Ovarian Cancer Syndrome and no experimental evidence demonstrating its impact on protein function have been reported. Five ClinVar submitters (evaluation after 2014) cite the variant as uncertain significance. Based on the evidence outlined above, the variant was classified as uncertain significance.

Quest Diagnostics Nichols Institute San Juan Capistrano
Classification: Uncertain significance. Last evaluated: 2020-08-12. Review status: criteria provided, single submitter. Criteria: Quest Diagnostics criteria. Collection method: clinical testing. Allele origin: unknown.

Color Diagnostics, LLC DBA Color Health
Classification: Uncertain significance for Hereditary cancer-predisposing syndrome. Last evaluated: 2019-05-03. Review status: criteria provided, single submitter. Criteria: ACMG Guidelines, 2015. Collection method: clinical testing. Allele origin: germline.

Counsyl
Classification: Uncertain significance for Breast-ovarian cancer, familial, susceptibility to, 2. Last evaluated: 2018-01-31. Review status: no assertion criteria provided. Collection method: clinical testing. Allele origin: unknown. Not counted in ClinVar's aggregate classification.

Literature cited by the submitters: PubMed 25085752 (cited by Myriad Genetics, Inc.).